The following is an entry in ClinVar:

ClinVar aggregate classification (germline): Uncertain significance. Review status: criteria provided, multiple submitters, no conflicts (2 of 4 stars). 3 submissions from 3 submitters: Uncertain significance (3). Last evaluated 2026-04-14.

Conditions:
LAMA2-related muscular dystrophy (LAMA2-RD). Also called: Laminin alpha 2-related dystrophy. Identifiers: MedGen C5679788, MONDO:0100228.

Allele frequency attached by ClinVar (database versions not stated): gnomAD exomes below 0.00001 and 0.00004; TOPMed 0.00001; gnomAD 0.00003.

Submissions (3):

Women's Health and Genetics/Laboratory Corporation of America, LabCorp
Classification: Uncertain significance. Last evaluated: 2026-04-14. Review status: criteria provided, single submitter. Criteria: LabCorp Variant Classification Summary - May 2015. Collection method: clinical testing. Allele origin: germline.

Revvity Omics, Revvity
Classification: Uncertain significance. Last evaluated: 2025-07-07. Review status: criteria provided, single submitter. Criteria: ACMG Guidelines, 2015. Collection method: clinical testing. Allele origin: germline.

Labcorp Genetics (formerly Invitae), Labcorp
Classification: Uncertain significance for LAMA2-related muscular dystrophy. Last evaluated: 2022-07-30. Review status: criteria provided, single submitter. Criteria: Invitae Variant Classification Sherloc (09022015). Collection method: clinical testing. Allele origin: germline.
Comment: This sequence change falls in intron 12 of the LAMA2 gene. It does not directly change the encoded amino acid sequence of the LAMA2 protein. It affects a nucleotide within the consensus splice site. This variant is present in population databases (no rsID available, gnomAD 0.002%). This variant has not been reported in the literature in individuals affected with LAMA2-related conditions. ClinVar contains an entry for this variant (Variation ID: 1353645). Variants that disrupt the consensus splice site are a relatively common cause of aberrant splicing (PMID: 17576681, 9536098). Algorithms developed to predict the effect of sequence changes on RNA splicing suggest that this variant is not likely to affect RNA splicing. In summary, the available evidence is currently insufficient to determine the role of this variant in disease. Therefore, it has been classified as a Variant of Uncertain Significance.

Literature cited by the submitters: PubMed 17576681 (cited by Labcorp Genetics (formerly Invitae), Labcorp); PubMed 9536098 (cited by Labcorp Genetics (formerly Invitae), Labcorp).

NM_000426.4(LAMA2):c.1782+4A>G

Gene: LAMA2 (laminin subunit alpha 2; plus strand). Cytogenetic location: 6q22.33.
Variant type: single nucleotide variant.
Coding change: c.1782+4A>G on transcript NM_000426.4 (MANE Select); 4 bases into the intron after coding-DNA position 1782, A replaced by G.
Molecular consequence: intron variant.
Genome position (GRCh38, 1-based): chr6:129,192,857, A>G. VCF-style: chr6-129192857-A-G. GRCh37 (hg19) VCF-style: chr6-129514002-A-G.
Other names: c.1782+4A>G (NM_001079823.2, NM_000426.3).
Identifiers: ClinVar variation 1353645 (VCV001353645.6), dbSNP rs1302379537, ClinGen allele CA570114539.